The following is an entry in ClinVar:

ClinVar aggregate classification (germline): Pathogenic/Likely pathogenic. Review status: criteria provided, multiple submitters, no conflicts (2 of 4 stars). 5 submissions from 5 submitters: Pathogenic (3); Likely pathogenic (1). 1 of the submissions does not count toward it. Last evaluated 2026-02-25.

Conditions:
Autosomal recessive limb-girdle muscular dystrophy type 2A (LGMDR1). Also called: Limb-girdle muscular dystrophy, type 2A; Calpainopathy; LEYDEN-MOEBIUS MUSCULAR DYSTROPHY; MUSCULAR DYSTROPHY, PELVOFEMORAL; Muscular dystrophy, limb-girdle, type 2A, Amish. Identifiers: Orphanet 267, MedGen C1869123, MONDO:0009675, OMIM 253600. Disease mechanism: loss of function.
Muscular dystrophy, limb-girdle, autosomal dominant 4. Also called: MUSCULAR DYSTROPHY, LIMB-GIRDLE, TYPE 1I; Calpain-3-related limb-girdle muscular dystrophy D4. Identifiers: Orphanet 565909, MedGen C4748295, MONDO:0029133, OMIM 618129.
Autosomal recessive limb-girdle muscular dystrophy. Identifiers: Orphanet 102015, MedGen C2931907, MONDO:0015152.

Submissions (5):

Dasa
Classification: Likely pathogenic. Last evaluated: 2026-02-25. Review status: criteria provided, single submitter. Criteria: DASA Assertion Criteria. Collection method: clinical testing. Allele origin: germline.
Comment: NM_000070.3(CAPN3):c.1061T>G (p.Val354Gly) is a missense variant that results in the substitution of valine with glycine. This variant has been recurrently observed in individuals with CAPN3-related disorders (PMID: 18854869; PMID: 22443334). Also, this variant is rare in population databases. Computational evidence supports a deleterious effect. Based on the currently available evidence, this variant is classified as likely pathogenic.

Women's Health and Genetics/Laboratory Corporation of America, LabCorp
Classification: Pathogenic for Autosomal recessive limb-girdle muscular dystrophy. Last evaluated: 2025-09-18. Review status: criteria provided, single submitter. Criteria: LabCorp Variant Classification Summary - May 2015. Collection method: clinical testing. Allele origin: germline.
Comment: Variant summary: CAPN3 c.1061T>G (p.Val354Gly) results in a non-conservative amino acid change in the encoded protein sequence. Algorithms developed to predict the effect of missense changes on protein structure and function all suggest that this variant is likely to be disruptive. The variant was absent in 173056 control chromosomes (gnomAD). c.1061T>G has been observed in individuals affected with Limb-Girdle Muscular Dystrophy (Richard_1995, de Paula_2002, Savarese_2014). These data indicate that the variant is likely to be associated with disease. At least one publication reports experimental evidence evaluating an impact on protein function and this variant affected with the CAPN3 protein function (Ono_1998). The following publications have been ascertained in the context of this evaluation (PMID: 9027854, 9642272, 7720071, 25214167, 12461690). ClinVar contains an entry for this variant (Variation ID: 557454). Based on the evidence outlined above, the variant was classified as pathogenic.

Revvity Omics, Revvity
Classification: Pathogenic. Last evaluated: 2025-01-16. Review status: criteria provided, single submitter. Criteria: ACMG Guidelines, 2015. Collection method: clinical testing. Allele origin: germline.

Baylor Genetics
Classification: Pathogenic for Muscular dystrophy, limb-girdle, autosomal dominant 4. Last evaluated: 2023-12-30. Review status: criteria provided, single submitter. Criteria: ACMG Guidelines, 2015. Collection method: clinical testing. Allele origin: unknown.

Counsyl
Classification: Likely pathogenic for Autosomal recessive limb-girdle muscular dystrophy type 2A. Last evaluated: 2018-03-30. Review status: no assertion criteria provided. Collection method: clinical testing. Allele origin: unknown. Not counted in ClinVar's aggregate classification.

Literature cited by the submitters: PubMed 22443334 (cited by Dasa); PubMed 18854869 (cited by Dasa and Counsyl); PubMed 25214167 (cited by Women's Health and Genetics/Laboratory Corporation of America, LabCorp and Counsyl); PubMed 9642272 (cited by Women's Health and Genetics/Laboratory Corporation of America, LabCorp and Counsyl); PubMed 7720071 (cited by Women's Health and Genetics/Laboratory Corporation of America, LabCorp and Counsyl); PubMed 12461690 (cited by Women's Health and Genetics/Laboratory Corporation of America, LabCorp and Counsyl); PubMed 9027854 (cited by Women's Health and Genetics/Laboratory Corporation of America, LabCorp); PubMed 20635405 (cited by Counsyl); PubMed 16141003 (cited by Counsyl).

NM_000070.3(CAPN3):c.1061T>G (p.Val354Gly)

Gene: CAPN3 (calpain 3; plus strand). Cytogenetic location: 15q15.1.
Variant type: single nucleotide variant.
Coding change: c.1061T>G on transcript NM_000070.3 (MANE Select); coding-DNA position 1061, T replaced by G.
Protein change: p.Val354Gly; replaces valine 354 with glycine.
Molecular consequence: missense variant.
Genome position (GRCh38, 1-based): chr15:42,394,287, T>G. VCF-style: chr15-42394287-T-G. GRCh37 (hg19) VCF-style: chr15-42686485-T-G.
Other names: c.1061T>G, p.Val354Gly (NM_024344.2); c.917T>G, p.Val306Gly (NM_173087.2); short protein forms V354G, V306G.
Identifiers: ClinVar variation 557454 (VCV000557454.7), dbSNP rs1555421271, ClinGen allele CA391998988.